The following is an entry in ClinVar:

ClinVar aggregate classification (germline): Likely benign (0 of 4 stars; one submission).

Conditions:
TRIP12-related disorder. Also called: TRIP12-related condition.

Allele frequency attached by ClinVar (database versions not stated): ESP Exome Variant Server 0.00015.
gnomAD v4.1: 61 of 1,614,068 alleles (0.0038%); highest among the groups gnomAD compares: East Asian, 0.085%; no homozygotes.

Submission:

PreventionGenetics, part of Exact Sciences
Classification: Likely benign for TRIP12-related condition. Last evaluated: 2019-02-21. Review status: no assertion criteria provided. Collection method: clinical testing. Allele origin: germline.
Comment: This variant is classified as likely benign based on ACMG/AMP sequence variant interpretation guidelines (Richards et al. 2015 PMID: 25741868, with internal and published modifications).

NM_001348323.3(TRIP12):c.837G>A (p.Ala279=)

Gene: TRIP12 (thyroid hormone receptor interactor 12; minus strand). Cytogenetic location: 2q36.3.
Variant type: single nucleotide variant.
Coding change: c.837G>A on transcript NM_001348323.3 (MANE Select); coding-DNA position 837, G replaced by A.
Protein change: p.Ala279=; no amino-acid change (alanine 279 retained).
Molecular consequence: synonymous variant. On other transcripts: intron variant (1).
Genome position (GRCh38, 1-based): chr2:229,858,962, C>T on the plus strand (G>A on the coding strand, the complement: TRIP12 is on the minus strand). VCF-style: chr2-229858962-C-T. GRCh37 (hg19) VCF-style: chr2-230723678-C-T.
Other names: c.837G>A, p.Ala279= (NM_001284214.2, NM_001348315.2, NM_001348319.1 and 15 more transcripts); c.711G>A, p.Ala237= (NM_001284215.2, NM_001348316.2, NM_001348317.1 and 3 more transcripts); c.98+21020G>A (NM_001284216.2).
Identifiers: ClinVar variation 3057966 (VCV003057966.2), dbSNP rs148440574, ClinGen allele CA2153434.